The following is an entry in ClinVar:

NM_000092.5(COL4A4):c.2716+2T>A

Gene: COL4A4 (collagen type IV alpha 4 chain; minus strand). Cytogenetic location: 2q36.3.
Variant type: single nucleotide variant.
Coding change: c.2716+2T>A on transcript NM_000092.5 (MANE Select); the canonical splice donor site of the intron after coding-DNA position 2716, T replaced by A.
Molecular consequence: splice donor variant.
Genome position (GRCh38, 1-based): chr2:227,055,943, A>T on the plus strand (T>A on the coding strand, the complement: COL4A4 is on the minus strand). VCF-style: chr2-227055943-A-T. GRCh37 (hg19) VCF-style: chr2-227920659-A-T.
Identifiers: ClinVar variation 2030475 (VCV002030475.4), dbSNP rs2474115806, ClinGen allele CA350840736.

ClinVar aggregate classification (germline): Likely pathogenic (1 of 4 stars; one submission).

Submission:

Labcorp Genetics (formerly Invitae), Labcorp
Classification: Likely pathogenic. Last evaluated: 2022-12-27. Review status: criteria provided, single submitter. Criteria: Invitae Variant Classification Sherloc (09022015). Collection method: clinical testing. Allele origin: germline.
Comment: This variant has not been reported in the literature in individuals affected with COL4A4-related conditions. In summary, the currently available evidence indicates that the variant is pathogenic, but additional data are needed to prove that conclusively. Therefore, this variant has been classified as Likely Pathogenic. Algorithms developed to predict the effect of sequence changes on RNA splicing suggest that this variant may disrupt the consensus splice site. This variant is not present in population databases (gnomAD no frequency). This sequence change affects a donor splice site in intron 30 of the COL4A4 gene. It is expected to disrupt RNA splicing. Variants that disrupt the donor or acceptor splice site typically lead to a loss of protein function (PMID: 16199547), and loss-of-function variants in COL4A4 are known to be pathogenic (PMID: 21196518, 24854265, 25307543).

Literature cited by the submitters: PubMed 16199547; PubMed 21196518; PubMed 24854265; PubMed 25307543.